The following is an entry in ClinVar:

ClinVar aggregate classification (germline): Likely pathogenic (1 of 4 stars; one submission).

Conditions:
Schwartz-Jampel syndrome. Also called: Myotonic myopathy dwarfism chondrodystrophy and ocular and facial abnormalities. Identifiers: Orphanet 800, MedGen C0036391, MONDO:0009717.

Submission:

Diagnostics Division, CENTRE FOR DNA FINGERPRINTING AND DIAGNOSTICS
Classification: Likely pathogenic for Schwartz-Jampel syndrome type 1. Last evaluated: 2015-01-01. Review status: criteria provided, single submitter. Criteria: Das Bhowmik Neuromuscul Disord. 2016. Collection method: research. Allele origin: germline. Affected: yes. Observed: 1 homozygote.
Comment: Splicing variant

NM_005529.7(HSPG2):c.4740+5G>A

Gene: HSPG2 (heparan sulfate proteoglycan 2; minus strand). Cytogenetic location: 1p36.12.
Variant type: single nucleotide variant.
Coding change: c.4740+5G>A on transcript NM_005529.7 (MANE Select); 5 bases into the intron after coding-DNA position 4740, G replaced by A.
Molecular consequence: intron variant.
Genome position (GRCh38, 1-based): chr1:21,864,095, C>T on the plus strand (G>A on the coding strand, the complement: HSPG2 is on the minus strand). VCF-style: chr1-21864095-C-T. GRCh37 (hg19) VCF-style: chr1-22190588-C-T.
Other names: c.4743+5G>A (NM_001291860.2).
Identifiers: ClinVar variation 266114 (VCV000266114.3), dbSNP rs886039909, ClinGen allele CA10588984.